The following is an entry in ClinVar:

ClinVar aggregate classification (germline): Uncertain significance (1 of 4 stars; one submission).

Submission:

Labcorp Genetics (formerly Invitae), Labcorp
Classification: Uncertain significance. Last evaluated: 2023-05-22. Review status: criteria provided, single submitter. Criteria: Invitae Variant Classification Sherloc (09022015). Collection method: clinical testing. Allele origin: germline.
Comment: This sequence change replaces glutamic acid, which is acidic and polar, with lysine, which is basic and polar, at codon 94 of the APOA1 protein (p.Glu94Lys). This variant is not present in population databases (gnomAD no frequency). This variant has not been reported in the literature in individuals affected with APOA1-related conditions. Advanced modeling of protein sequence and biophysical properties (such as structural, functional, and spatial information, amino acid conservation, physicochemical variation, residue mobility, and thermodynamic stability) performed at Invitae indicates that this missense variant is not expected to disrupt APOA1 protein function. In summary, the available evidence is currently insufficient to determine the role of this variant in disease. Therefore, it has been classified as a Variant of Uncertain Significance.

NM_000039.3(APOA1):c.280G>A (p.Glu94Lys)

Genes: APOA1 (apolipoprotein A1; minus strand), APOA1-AS (APOA1 antisense RNA; plus strand). Cytogenetic location: 11q23.3.
Variant type: single nucleotide variant.
Coding change: c.280G>A on transcript NM_000039.3 (MANE Select); coding-DNA position 280, G replaced by A.
Protein change: p.Glu94Lys; replaces glutamic acid 94 with lysine.
Molecular consequence: missense variant.
Genome position (GRCh38, 1-based): chr11:116,836,332, C>T on the plus strand (G>A on the coding strand, the complement: APOA1 is on the minus strand). VCF-style: chr11-116836332-C-T. GRCh37 (hg19) VCF-style: chr11-116707048-C-T.
Other names: c.280G>A, p.Glu94Lys (NM_001318017.2, NM_001318018.2, NM_001425090.1 and 1 more transcripts); c.-48G>A (NM_001318021.2, NM_001425091.1, NM_001425092.1); short protein forms E94K.
Identifiers: ClinVar variation 2782640 (VCV002782640.3), dbSNP rs2540291413, ClinGen allele CA382717030.